The following is an entry in ClinVar:

NM_002047.4(GARS1):c.2145A>G (p.Thr715=)

Gene: GARS1 (glycyl-tRNA synthetase 1; plus strand). Cytogenetic location: 7p14.3.
Variant type: single nucleotide variant.
Coding change: c.2145A>G on transcript NM_002047.4 (MANE Select); coding-DNA position 2145, A replaced by G.
Protein change: p.Thr715=; no amino-acid change (threonine 715 retained).
Molecular consequence: synonymous variant.
Genome position (GRCh38, 1-based): chr7:30,633,785, A>G. VCF-style: chr7-30633785-A-G. GRCh37 (hg19) VCF-style: chr7-30673401-A-G.
Other names: p.T715T:ACA>ACG; c.2145A>G (LRG_243t1); c.1983A>G, p.Thr661= (NM_001316772.1).
Identifiers: ClinVar variation 137443 (VCV000137443.25), dbSNP rs4593, ClinGen allele CA291031.

ClinVar aggregate classification (germline): Benign. Review status: criteria provided, multiple submitters, no conflicts (2 of 4 stars). 11 submissions from 9 submitters: Benign (8). 3 of the submissions do not count toward it. Last evaluated 2026-02-02.

Conditions:
Distal spinal muscular atrophy. Also called: Distal hereditary motor neuropathy; Distal hereditary motor neuronopathy. Identifiers: Orphanet 53739, MedGen C0393541, MONDO:0018894.
Charcot-Marie-Tooth disease type 2. Also called: Charcot-Marie-Tooth type 2. Identifiers: Orphanet 64746, MedGen C0270914, MONDO:0018993.
Charcot-Marie-Tooth disease. Also called: Charcot-Marie-Tooth Neuropathy; Charcot-Marie-Tooth Hereditary Neuropathy. Identifiers: Orphanet 166, MedGen C0007959, MONDO:0015626.
Charcot-Marie-Tooth disease type 2D (CMT2D). Also called: CHARCOT-MARIE-TOOTH DISEASE, AXONAL, TYPE 2D; GARS1 Adolescent- or Early Adult-Onset Hereditary Motor/Sensory Neuropathy (GARS1-HMSN); Charcot-Marie-Tooth Neuropathy Type 2D; CHARCOT-MARIE-TOOTH DISEASE, NEURONAL, TYPE 2D. Identifiers: Orphanet 99938, MedGen C1832274, MONDO:0011091, OMIM 601472.
Neuronopathy, distal hereditary motor, type 5A (HMND5). Also called: DHMN VA; Distal Spinal Muscular Atrophy V; Distal Spinal Muscular Atrophy V (dSMA-V); NEURONOPATHY, DISTAL HEREDITARY MOTOR, AUTOSOMAL DOMINANT 5. Identifiers: Orphanet 139536, MedGen CN031873, MONDO:0015353, OMIM 600794.

Allele frequency attached by ClinVar (database versions not stated): 1000 Genomes Project 0.07648; 1000 Genomes Project 30x 0.07730; gnomAD 0.08113; ESP Exome Variant Server 0.09238; TOPMed 0.09449.

Submissions (11):

Labcorp Genetics (formerly Invitae), Labcorp
Classification: Benign for Charcot-Marie-Tooth disease type 2. Last evaluated: 2026-02-02. Review status: criteria provided, single submitter. Criteria: Invitae Variant Classification Sherloc (09022015). Collection method: clinical testing. Allele origin: germline.

Athena Diagnostics
Classification: Benign. Last evaluated: 2025-10-02. Review status: criteria provided, single submitter. Criteria: Athena Diagnostics Criteria. Collection method: clinical testing. Allele origin: unknown.
Comment: The frequency of this variant in the general population is higher than would generally be expected for pathogenic variants in this gene.

Illumina Laboratory Services, Illumina
Classification: Benign for Distal Spinal Muscular Atrophy. Last evaluated: 2018-01-13. Review status: criteria provided, single submitter. Criteria: ICSL Variant Classification Criteria 13 December 2019. Collection method: clinical testing. Allele origin: germline.
Comment: This variant was observed in the ICSL laboratory as part of a predisposition screen in an ostensibly healthy population. It had not been previously curated by ICSL or reported in the Human Gene Mutation Database (HGMD: prior to June 1st, 2018), and was therefore a candidate for classification through an automated scoring system. Utilizing variant allele frequency, disease prevalence and penetrance estimates, and inheritance mode, an automated score was calculated to assess if this variant is too frequent to cause the disease. Based on the score and internal cut-off values, a variant classified as benign is not then subjected to further curation. The score for this variant resulted in a classification of benign for this disease.

Illumina Laboratory Services, Illumina
Classification: Benign for Charcot-Marie-Tooth disease type 2D. Last evaluated: 2018-01-13. Review status: criteria provided, single submitter. Criteria: ICSL Variant Classification Criteria 13 December 2019. Collection method: clinical testing. Allele origin: germline.
Comment: the same text as in the submission from Illumina Laboratory Services, Illumina above.

Illumina Laboratory Services, Illumina
Classification: Benign for Distal hereditary motor neuronopathy type 5. Last evaluated: 2018-01-13. Review status: criteria provided, single submitter. Criteria: ICSL Variant Classification Criteria 13 December 2019. Collection method: clinical testing. Allele origin: germline.
Comment: the same text as in the submission from Illumina Laboratory Services, Illumina above.

GeneDx
Classification: Benign. Last evaluated: 2014-01-28. Review status: criteria provided, single submitter. Criteria: GeneDx Variant Classification (06012015). Collection method: clinical testing. Allele origin: germline. Affected: yes.
Comment: This variant is considered likely benign or benign based on one or more of the following criteria: it is a conservative change, it occurs at a poorly conserved position in the protein, it is predicted to be benign by multiple in silico algorithms, and/or has population frequency not consistent with disease.

Molecular Genetics Laboratory, London Health Sciences Centre
Classification: Benign for Charcot-Marie-Tooth disease. Review status: criteria provided, single submitter. Criteria: ACMG Guidelines, 2015. Collection method: clinical testing. Allele origin: germline. Affected: yes.

PreventionGenetics, part of Exact Sciences
Classification: Benign. Review status: criteria provided, single submitter. Criteria: ACMG Guidelines, 2015. Collection method: clinical testing. Allele origin: germline.

Mayo Clinic Laboratories, Mayo Clinic
Classification: Benign. Last evaluated: 2016-02-29. Review status: no assertion criteria provided. Collection method: clinical testing. Allele origin: unknown. Not counted in ClinVar's aggregate classification.

Clinical Genetics, Academic Medical Center
Classification: Benign. Review status: no assertion criteria provided. Collection method: clinical testing. Allele origin: germline. Affected: yes. Study: VKGL Data-share Consensus. Not counted in ClinVar's aggregate classification.

Joint Genome Diagnostic Labs from Nijmegen and Maastricht, Radboudumc and MUMC+
Classification: Benign. Review status: no assertion criteria provided. Collection method: clinical testing. Allele origin: germline. Affected: yes. Study: VKGL Data-share Consensus. Not counted in ClinVar's aggregate classification.